The following is an entry in ClinVar:

NM_005198.5(CHKB):c.939del (p.Arg314fs)

Genes: CHKB-CPT1B (CHKB-CPT1B readthrough (NMD candidate); minus strand), CHKB (choline kinase beta; minus strand). Cytogenetic location: 22q13.33.
Variant type: Deletion.
Coding change: c.939del on transcript NM_005198.5 (MANE Select); coding-DNA position 939, one base deleted (T; older notation c.939delT).
Protein change: p.Arg314fs; shifts the reading frame from arginine 314.
Molecular consequence: frameshift variant. On other transcripts: non-coding transcript variant (1).
Genome position (GRCh38, 1-based): chr22:50,579,819, A deleted on the plus strand (T on the coding strand, the reverse complement: CHKB is on the minus strand); the first of 2 consecutive A bases (chr22:50,579,819-50,579,820); deleting either gives the same sequence. VCF-style (leftmost placement, unchanged base first): chr22-50579818-GA-G. GRCh37 (hg19) VCF-style: chr22-51018247-GA-G.
Other names: short protein forms R314fs.
Identifiers: ClinVar variation 2098656 (VCV002098656.4), dbSNP rs772568756, ClinGen allele CA10323565.

ClinVar aggregate classification (germline): Pathogenic (1 of 4 stars; one submission).

Conditions:
Megaconial type congenital muscular dystrophy (MDCMC). Also called: CHKB-Related Muscle Diseases; MUSCULAR DYSTROPHY, CONGENITAL, WITH MITOCHONDRIAL STRUCTURAL ABNORMALITIES; CHKB-Related Muscular Dystrophy. Identifiers: Orphanet 280671, MedGen C1865233, MONDO:0011246, OMIM 602541.

Submission:

Labcorp Genetics (formerly Invitae), Labcorp
Classification: Pathogenic for Megaconial type congenital muscular dystrophy. Last evaluated: 2024-10-24. Review status: criteria provided, single submitter. Criteria: Invitae Variant Classification Sherloc (09022015). Collection method: clinical testing. Allele origin: germline.
Comment: This sequence change creates a premature translational stop signal (p.Arg314Valfs*27) in the CHKB gene. It is expected to result in an absent or disrupted protein product. Loss-of-function variants in CHKB are known to be pathogenic (PMID: 21665002). This variant is present in population databases (rs772568756, gnomAD 0.009%). This variant has not been reported in the literature in individuals affected with CHKB-related conditions. ClinVar contains an entry for this variant (Variation ID: 2098656). For these reasons, this variant has been classified as Pathogenic.

Literature cited by the submitters: PubMed 21665002.